The following is an entry in ClinVar:

NM_002519.3(NPAT):c.2906T>A (p.Leu969His)

Gene: NPAT (nuclear protein, coactivator of histone transcription; minus strand). Cytogenetic location: 11q22.3.
Variant type: single nucleotide variant.
Coding change: c.2906T>A on transcript NM_002519.3 (MANE Select); coding-DNA position 2906, T replaced by A.
Protein change: p.Leu969His; replaces leucine 969 with histidine.
Molecular consequence: missense variant.
Genome position (GRCh38, 1-based): chr11:108,169,848, A>T on the plus strand (T>A on the coding strand, the complement: NPAT is on the minus strand). VCF-style: chr11-108169848-A-T. GRCh37 (hg19) VCF-style: chr11-108040575-A-T.
Other names: c.2906T>A, p.Leu969His (NM_001321307.1); short protein forms L969H.
Identifiers: ClinVar variation 2568026 (VCV002568026.2), dbSNP rs2496710948, ClinGen allele CA382511975.
Genomic context (GRCh38, chr11:108,169,848, plus strand): 5'-GGAGGGACGGGGAATTGAGGGATACTTCTATTGCATACAGGTGCTGTCAAAGGCATATGA[A>T]GAACCTGGAAGAGAAAAAGCCATTAATTACACTAAGCTTGAAAAGCATCACCACACCATT-3'
Protein context (NP_002510.2, residues 959-979): NNFSTPPRQV[Leu969His]HMPLTAPVCN

ClinVar aggregate classification (germline): Uncertain significance (1 of 4 stars; one submission).

Submission:

Ambry Genetics
Classification: Uncertain significance. Last evaluated: 2023-06-05. Review status: criteria provided, single submitter. Criteria: Ambry Variant Classification Scheme 2023. Collection method: clinical testing. Allele origin: germline.
Comment: The p.L969H variant (also known as c.2906T>A), located in coding exon 15 of the NPAT gene, results from a T to A substitution at nucleotide position 2906. The leucine at codon 969 is replaced by histidine, an amino acid with similar properties. This amino acid position is conserved. In addition, the in silico prediction for this alteration is inconclusive. Since supporting evidence is limited at this time, the clinical significance of this alteration remains unclear.